The following is an entry in ClinVar:

NM_007286.6(SYNPO):c.2380_2381insTGCCCCCGCCCC (p.Pro793_Pro794insLeuProProPro)

Genes: SYNPO (synaptopodin; plus strand), LOC129995011 (ATAC-STARR-seq lymphoblastoid silent region 16516; plus strand). Cytogenetic location: 5q33.1.
Variant type: Insertion.
Coding change: c.2380_2381insTGCCCCCGCCCC on transcript NM_007286.6 (MANE Select); coding-DNA positions 2380 to 2381, TGCCCCCGCCCC inserted.
Protein change: p.Pro793_Pro794insLeuProProPro.
Molecular consequence: inframe insertion.
Genome position: GRCh38 VCF-style: chr5-150656744-C-CGCCCCCGCCCCT. GRCh37 (hg19) VCF-style: chr5-150036306-C-CGCCCCCGCCCCT.
Identifiers: ClinVar variation 1510673 (VCV001510673.6), dbSNP rs1253736143, ClinGen allele CA447411081.

ClinVar aggregate classification (germline): Uncertain significance (1 of 4 stars; one submission).

Submission:

Labcorp Genetics (formerly Invitae), Labcorp
Classification: Uncertain significance. Last evaluated: 2025-11-06. Review status: criteria provided, single submitter. Criteria: Invitae Variant Classification Sherloc (09022015). Collection method: clinical testing. Allele origin: germline.
Comment: This variant, c.2380_2381insTGCCCCCGCCCC, results in the insertion of 4 amino acid(s) of the SYNPO protein (p.Pro793_Pro794insLeuProProPro), but otherwise preserves the integrity of the reading frame. The frequency data for this variant in the population databases is considered unreliable, as metrics indicate poor data quality at this position in the gnomAD database. This variant has not been reported in the literature in individuals affected with SYNPO-related conditions. ClinVar contains an entry for this variant (Variation ID: 1510673). Experimental studies and prediction algorithms are not available or were not evaluated, and the functional significance of this variant is currently unknown. In summary, the available evidence is currently insufficient to determine the role of this variant in disease. Therefore, it has been classified as a Variant of Uncertain Significance.